The following is an entry in ClinVar:

ClinVar aggregate classification (germline): Benign. Review status: criteria provided, multiple submitters, no conflicts (2 of 4 stars). 5 submissions from 5 submitters: Benign (2). 3 of the submissions do not count toward it. Last evaluated 2015-08-05.

Conditions:
CYP2B6-related disorder. Also called: CYP2B6-related condition.
Efavirenz response. Also called: Efavirenz central nervous system toxicity, susceptibility to; Efavirenz, poor metabolism of. Identifiers: MedGen C3281153, MONDO:0800431, OMIM 614546.

Allele frequency attached by ClinVar (database versions not stated): ExAC 0.05632; gnomAD exomes 0.12936.

Submissions (5):

Clinical Genetics DNA and cytogenetics Diagnostics Lab, Erasmus MC, Erasmus Medical Center
Classification: Benign for Efavirenz response. Last evaluated: 2015-08-05. Review status: criteria provided, single submitter. Criteria: ACGS Guidelines, 2013. Collection method: clinical testing. Allele origin: germline. Affected: yes. Study: VKGL Data-share Consensus.

Breakthrough Genomics
Classification: Benign. Review status: criteria provided, single submitter. Criteria: ACMG Guidelines, 2015. Collection method: not provided. Allele origin: germline. Inheritance: Unknown mechanism. Affected: yes.

PreventionGenetics, part of Exact Sciences
Classification: Likely benign for CYP2B6-related condition. Last evaluated: 2021-07-22. Review status: no assertion criteria provided. Collection method: clinical testing. Allele origin: germline. Not counted in ClinVar's aggregate classification.
Comment: This variant is classified as likely benign based on ACMG/AMP sequence variant interpretation guidelines (Richards et al. 2015 PMID: 25741868, with internal and published modifications).

OMIM
Classification: drug response for EFAVIRENZ, POOR METABOLISM OF. Last evaluated: 2015-05-15. Review status: no assertion criteria provided. Collection method: literature only. Allele origin: germline. Not counted in ClinVar's aggregate classification.

Diagnostic Laboratory, Department of Genetics, University Medical Center Groningen
Classification: Benign for Efavirenz response. Review status: no assertion criteria provided. Collection method: clinical testing. Allele origin: germline. Affected: yes. Study: VKGL Data-share Consensus. Not counted in ClinVar's aggregate classification.

Literature cited by the submitters: PubMed 15194512 (cited by OMIM); PubMed 23418033 (cited by OMIM).

NM_000767.5(CYP2B6):c.785A>G (p.Lys262Arg)

Gene: CYP2B6 (cytochrome P450 family 2 subfamily B member 6; plus strand). Cytogenetic location: 19q13.2.
Variant type: single nucleotide variant.
Coding change: c.785A>G on transcript NM_000767.5 (MANE Select); coding-DNA position 785, A replaced by G.
Protein change: p.Lys262Arg; replaces lysine 262 with arginine.
Molecular consequence: missense variant.
Genome position (GRCh38, 1-based): chr19:41,009,358, A>G. VCF-style: chr19-41009358-A-G. GRCh37 (hg19) VCF-style: chr19-41515263-A-G.
Other names: CYP2B6, LYS262ARG (rs2279343); short protein forms K262R.
Identifiers: ClinVar variation 120171 (VCV000120171.7), dbSNP rs2279343, ClinGen allele CA230624.